The following is an entry in ClinVar:

ClinVar aggregate classification (germline): Uncertain significance (1 of 4 stars; one submission).

Submission:

Dasa
Classification: Uncertain significance. Last evaluated: 2026-04-02. Review status: criteria provided, single submitter. Criteria: DASA Assertion Criteria. Collection method: clinical testing. Allele origin: germline.
Comment: NM_001083116.3(PRF1):c.646A>G (p.Ile216Val) is a missense variant that results in the substitution of isoleucine with valine. This variant is absent from population databases. The currently available literature and clinical evidence are not sufficient to establish a definitive association between this variant and the reported condition. Therefore, this variant is classified as a variant of uncertain significance.

NM_001083116.3(PRF1):c.646A>G (p.Ile216Val)

Gene: PRF1 (perforin 1; minus strand). Cytogenetic location: 10q22.1.
Variant type: single nucleotide variant.
Coding change: c.646A>G on transcript NM_001083116.3 (MANE Select); coding-DNA position 646, A replaced by G.
Protein change: p.Ile216Val; replaces isoleucine 216 with valine.
Molecular consequence: missense variant.
Genome position (GRCh38, 1-based): chr10:70,599,075, T>C on the plus strand (A>G on the coding strand, the complement: PRF1 is on the minus strand). VCF-style: chr10-70599075-T-C. GRCh37 (hg19) VCF-style: chr10-72358831-T-C.
Other names: c.646A>G, p.Ile216Val (NM_005041.6); short protein forms I216V.
Identifiers: ClinVar variation 4882515 (VCV004882515.2).